The following is an entry in ClinVar:

ClinVar aggregate classification (germline): Uncertain significance (1 of 4 stars; one submission).

Conditions:
Methylmalonic aciduria due to methylmalonyl-CoA mutase deficiency (MAMM). Also called: Methylmalonic aciduria, mut type. Identifiers: Orphanet 27, MedGen C1855114, MONDO:0009612, OMIM 251000.

Submission:

3billion
Classification: Uncertain significance for Methylmalonic aciduria due to methylmalonyl-CoA mutase deficiency. Last evaluated: 2024-06-04. Review status: criteria provided, single submitter. Criteria: ACMG Guidelines, 2015. Collection method: clinical testing. Allele origin: germline. Affected: yes.
Comment: The variant is not observed in the gnomAD v4.0.0 dataset. Predicted Consequence/Location: Missense variant In silico tool predictions suggest damaging effect of the variant on gene or gene product [REVEL: 0.99 (>=0.6, sensitivity 0.68 and specificity 0.92); 3Cnet: 0.98 (>=0.6, sensitivity 0.72 and precision 0.9)]. Different missense changes at the same codon (p.Gly427Asp, p.Gly427Ser) have been reported as pathogenic/likely pathogenic with strong evidence (ClinVar ID: VCV000218990, VCV002919978 /PMID: 16281286). Therefore, this variant is classified as VUS according to the recommendation of ACMG/AMP guideline.

Literature cited by the submitters: PubMed 16281286.

NM_000255.4(MMUT):c.1280G>T (p.Gly427Val)

Gene: MMUT (methylmalonyl-CoA mutase; minus strand). Cytogenetic location: 6p12.3.
Variant type: single nucleotide variant.
Coding change: c.1280G>T on transcript NM_000255.4 (MANE Select); coding-DNA position 1280, G replaced by T.
Protein change: p.Gly427Val; replaces glycine 427 with valine.
Molecular consequence: missense variant.
Genome position (GRCh38, 1-based): chr6:49,451,518, C>A on the plus strand (G>T on the coding strand, the complement: MMUT is on the minus strand). VCF-style: chr6-49451518-C-A. GRCh37 (hg19) VCF-style: chr6-49419231-C-A.
Other names: short protein forms G427V.
Identifiers: ClinVar variation 4293346 (VCV004293346.1).
Genomic context (GRCh38, chr6:49,451,518, plus strand): 5'-AAACTTACCTTTAAAGCAGCATCATAAACATCATTTGTGAGACATTCCATCATGTAAGAA[C>A]CTCCCCAAGGATCAGCCACTTTGGGAATCCCAGATTCTTCTTGAATGATGATTTGTGTGT-3'
Protein context (NP_000246.2, residues 417-437): GIPKVADPWG[Gly427Val]SYMMECLTND